The following is an entry in ClinVar:

NM_000430.4(PAFAH1B1):c.743_746dup (p.Ala250fs)

Gene: PAFAH1B1 (platelet activating factor acetylhydrolase 1b regulatory subunit 1; plus strand). Cytogenetic location: 17p13.3.
Variant type: Duplication.
Coding change: c.743_746dup on transcript NM_000430.4 (MANE Select); coding-DNA positions 743 to 746, 4 bases duplicated (TGAT; older notation c.743_746dupTGAT).
Protein change: p.Ala250fs; shifts the reading frame from alanine 250.
Molecular consequence: frameshift variant.
Genome position (GRCh38, 1-based): chr17:2,674,131-2,674,134, TGAT duplicated. VCF-style (leftmost placement, unchanged base first): chr17-2674130-C-CTGAT. GRCh37 (hg19) VCF-style: chr17-2577424-C-CTGAT.
Other names: short protein forms A250fs.
Identifiers: ClinVar variation 839922 (VCV000839922.6), dbSNP rs2069227856, ClinGen allele CA916083518.
Genomic context (GRCh38, chr17:2,674,130, plus strand): 5'-AAGACATTCACAGGACACAGAGAATGGGTACGTATGGTACGGCCAAATCAAGATGGCACT[C>CTGAT]TGATAGCCAGCTGTTCCAATGACCAGACTGTGCGTGTATGGGTCGTAGCAACAAAGGAAT-3'

ClinVar aggregate classification (germline): Pathogenic (1 of 4 stars; one submission).

Submission:

Labcorp Genetics (formerly Invitae), Labcorp
Classification: Pathogenic. Last evaluated: 2019-03-05. Review status: criteria provided, single submitter. Criteria: Invitae Variant Classification Sherloc (09022015). Collection method: clinical testing. Allele origin: germline.
Comment: This sequence change creates a premature translational stop signal (p.Ala250Aspfs*7) in the PAFAH1B1 gene. It is expected to result in an absent or disrupted protein product. This variant is not present in population databases (ExAC no frequency). Loss-of-function variants in PAFAH1B1 are known to be pathogenic (PMID: 1671808, 11115846, 11754098). For these reasons, this variant has been classified as Pathogenic.

Literature cited by the submitters: PubMed 1671808; PubMed 11115846; PubMed 11754098.